The following is an entry in ClinVar:

NM_005908.4(MANBA):c.1649del (p.Arg550fs)

Gene: MANBA (mannosidase beta; minus strand). Cytogenetic location: 4q24.
Variant type: Deletion.
Coding change: c.1649del on transcript NM_005908.4 (MANE Select); coding-DNA position 1649, one base deleted (G; older notation c.1649delG).
Protein change: p.Arg550fs; shifts the reading frame from arginine 550.
Molecular consequence: frameshift variant.
Genome position (GRCh38, 1-based): chr4:102,657,737, C deleted on the plus strand (G on the coding strand, the reverse complement: MANBA is on the minus strand). VCF-style (leftmost placement, unchanged base first): chr4-102657736-TC-T. GRCh37 (hg19) VCF-style: chr4-103578893-TC-T.
Other names: short protein forms R550fs.
Identifiers: ClinVar variation 2058638 (VCV002058638.4), dbSNP rs2476765770, ClinGen allele CA2580071273.

ClinVar aggregate classification (germline): Pathogenic (1 of 4 stars; one submission).

Conditions:
Beta-D-mannosidosis (MANSB). Also called: MANNOSIDOSIS, BETA A, LYSOSOMAL; BETA-MANNOSIDASE DEFICIENCY; LYSOSOMAL BETA-MANNOSIDASE DEFICIENCY; Beta-Mannosidosis. Identifiers: Orphanet 118, MedGen C4048196, MONDO:0009562, OMIM 248510.

Submission:

Labcorp Genetics (formerly Invitae), Labcorp
Classification: Pathogenic for Beta-D-mannosidosis. Last evaluated: 2023-11-27. Review status: criteria provided, single submitter. Criteria: Invitae Variant Classification Sherloc (09022015). Collection method: clinical testing. Allele origin: germline.
Comment: This sequence change creates a premature translational stop signal (p.Arg550Hisfs*17) in the MANBA gene. It is expected to result in an absent or disrupted protein product. Loss-of-function variants in MANBA are known to be pathogenic (PMID: 9384606, 12468273). This variant is not present in population databases (gnomAD no frequency). This variant has not been reported in the literature in individuals affected with MANBA-related conditions. ClinVar contains an entry for this variant (Variation ID: 2058638). For these reasons, this variant has been classified as Pathogenic.

Literature cited by the submitters: PubMed 9384606; PubMed 12468273.